The following is an entry in ClinVar:

NM_006804.4(STARD3):c.597C>T (p.Ser199=)

Gene: STARD3 (StAR related lipid transfer domain containing 3; plus strand). Cytogenetic location: 17q12.
Variant type: single nucleotide variant.
Coding change: c.597C>T on transcript NM_006804.4 (MANE Select); coding-DNA position 597, C replaced by T.
Protein change: p.Ser199=; no amino-acid change (serine 199 retained).
Molecular consequence: synonymous variant.
Genome position (GRCh38, 1-based): chr17:39,658,771, C>T. VCF-style: chr17-39658771-C-T. GRCh37 (hg19) VCF-style: chr17-37815024-C-T.
Other names: c.597C>T, p.Ser199= (NM_001165937.2); c.543C>T, p.Ser181= (NM_001165938.2).
Identifiers: ClinVar variation 2647719 (VCV002647719.24), dbSNP rs142935105, ClinGen allele CA8532431.

ClinVar aggregate classification (germline): Benign (1 of 4 stars; one submission).

Allele frequency attached by ClinVar (database versions not stated): ESP Exome Variant Server 0.00384; gnomAD 0.00413; TOPMed 0.00451; 1000 Genomes Project 0.00479; 1000 Genomes Project 30x 0.00484; gnomAD exomes 0.00504; ExAC 0.00676.
gnomAD v4.1: 8,131 of 1,614,032 alleles (0.5%); highest among the groups gnomAD compares: Middle Eastern, 2.6%; 57 homozygotes.

Submission:

CeGaT Center for Human Genetics Tuebingen
Classification: Benign. Last evaluated: 2023-01-01. Review status: criteria provided, single submitter. Criteria: CeGaT Center For Human Genetics Tuebingen Variant Classification Criteria Version 2. Collection method: clinical testing. Allele origin: germline. Affected: yes. Observed: 3 variant alleles.
Comment: STARD3: BP4, BP7, BS1, BS2